The following is an entry in ClinVar:

ClinVar aggregate classification (germline): Uncertain significance (1 of 4 stars; one submission).

Submission:

Labcorp Genetics (formerly Invitae), Labcorp
Classification: Uncertain significance. Last evaluated: 2025-01-18. Review status: criteria provided, single submitter. Criteria: Invitae Variant Classification Sherloc (09022015). Collection method: clinical testing. Allele origin: germline.
Comment: This sequence change replaces serine, which is neutral and polar, with alanine, which is neutral and non-polar, at codon 1916 of the CACNA1D protein (p.Ser1916Ala). This variant is not present in population databases (gnomAD no frequency). This variant has not been reported in the literature in individuals affected with CACNA1D-related conditions. An algorithm developed to predict the effect of missense changes on protein structure and function (PolyPhen-2) suggests that this variant is likely to be tolerated. In summary, the available evidence is currently insufficient to determine the role of this variant in disease. Therefore, it has been classified as a Variant of Uncertain Significance.

NM_001128840.3(CACNA1D):c.5686T>G (p.Ser1896Ala)

Gene: CACNA1D (calcium voltage-gated channel subunit alpha1 D; plus strand). Cytogenetic location: 3p21.1.
Variant type: single nucleotide variant.
Coding change: c.5686T>G on transcript NM_001128840.3 (MANE Select); coding-DNA position 5686, T replaced by G.
Protein change: p.Ser1896Ala; replaces serine 1896 with alanine.
Molecular consequence: missense variant.
Genome position (GRCh38, 1-based): chr3:53,805,083, T>G. VCF-style: chr3-53805083-T-G. GRCh37 (hg19) VCF-style: chr3-53839110-T-G.
Other names: c.5746T>G, p.Ser1916Ala (NM_000720.4); c.5614T>G, p.Ser1872Ala (NM_001128839.3); short protein forms S1872A, S1916A, S1896A.
Identifiers: ClinVar variation 3729135 (VCV003729135.2).
Genomic context (GRCh38, chr3:53,805,083, plus strand): 5'-ATCGACTCTGAGAGGCCCCGAGGCTACCATCATCCCCAAGGATTCTTGGAGGACGATGAC[T>G]CGCCCGTTTGCTATGATTCACGGAGATCTCCAAGGAGACGCCTACTACCTCCCACCCCAG-3'
Protein context (NP_001122312.1, residues 1886-1906): HPQGFLEDDD[Ser1896Ala]PVCYDSRRSP